The following is an entry in ClinVar:

ClinVar aggregate classification (germline): Pathogenic (1 of 4 stars; one submission).

Conditions:
Fanconi anemia (FA). Also called: Fanconi's anemia. Identifiers: Orphanet 84, MedGen C0015625, MeSH D005199, MONDO:0019391.

Submission:

Labcorp Genetics (formerly Invitae), Labcorp
Classification: Pathogenic for Fanconi anemia. Last evaluated: 2023-03-29. Review status: criteria provided, single submitter. Criteria: Invitae Variant Classification Sherloc (09022015). Collection method: clinical testing. Allele origin: germline.
Comment: For these reasons, this variant has been classified as Pathogenic. This variant has not been reported in the literature in individuals affected with FANCD2-related conditions. This variant is not present in population databases (gnomAD no frequency). This sequence change creates a premature translational stop signal (p.Pro1251Leufs*31) in the FANCD2 gene. It is expected to result in an absent or disrupted protein product. Loss-of-function variants in FANCD2 are known to be pathogenic (PMID: 17436244).

Literature cited by the submitters: PubMed 17436244.

NM_001018115.3(FANCD2):c.3752del (p.Pro1251fs)

Genes: FANCD2 (FA complementation group D2; plus strand), FANCD2OS (FANCD2 opposite strand; minus strand). Cytogenetic location: 3p25.3.
Variant type: Deletion.
Coding change: c.3752del on transcript NM_001018115.3 (MANE Select); coding-DNA position 3752, one base deleted (C; older notation c.3752delC).
Protein change: p.Pro1251fs; shifts the reading frame from proline 1251.
Molecular consequence: frameshift variant. On other transcripts: intron variant (1).
Genome position (GRCh38, 1-based): chr3:10,090,360, C deleted; the last of 2 consecutive C bases (chr3:10,090,359-10,090,360); deleting either gives the same sequence. VCF-style (leftmost placement, unchanged base first): chr3-10090358-GC-G. GRCh37 (hg19) VCF-style: chr3-10132042-GC-G.
Other names: c.3752del, p.Pro1251fs (NM_001319984.2, NM_001374254.1, NM_033084.6); c.3641del, p.Pro1214fs (NM_001374253.1); c.*44-8828del (NM_173472.2); short protein forms P1251fs, P1214fs.
Identifiers: ClinVar variation 2850432 (VCV002850432.3), dbSNP rs2470057285, ClinGen allele CA2739278517.